The following is an entry in ClinVar:

NM_000128.4(F11):c.449C>T (p.Thr150Met)

Gene: F11 (coagulation factor XI; plus strand). Cytogenetic location: 4q35.2.
Variant type: single nucleotide variant.
Coding change: c.449C>T on transcript NM_000128.4 (MANE Select); coding-DNA position 449, C replaced by T.
Protein change: p.Thr150Met; replaces threonine 150 with methionine.
Molecular consequence: missense variant.
Genome position (GRCh38, 1-based): chr4:186,274,239, C>T. VCF-style: chr4-186274239-C-T. GRCh37 (hg19) VCF-style: chr4-187195393-C-T.
Other names: c.449C>T, p.Thr150Met (NM_001354804.2); short protein forms T150M.
Identifiers: ClinVar variation 555711 (VCV000555711.9), dbSNP rs1340928778, ClinGen allele CA358958674.
Genomic context (GRCh38, chr4:186,274,239, plus strand): 5'-CCAAGAGTGCTCAAGAATGCCAAGAAAGATGCACGGATGACGTCCACTGCCACTTTTTCA[C>T]GTACGCCACAAGGCAGTTTCCCAGCCTGGAGCATCGGTGAGTGAGTCCCAGGACATTCGA-3'
Protein context (NP_000119.1, residues 140-160): CTDDVHCHFF[Thr150Met]YATRQFPSLE

ClinVar aggregate classification (germline): Likely pathogenic. Review status: criteria provided, multiple submitters, no conflicts (2 of 4 stars). 5 submissions from 5 submitters: Likely pathogenic (4). 1 of the submissions does not count toward it. Last evaluated 2025-12-29.

Conditions:
Hereditary factor XI deficiency disease. Also called: Congenital factor XI deficiency; PLASMA THROMBOPLASTIN ANTECEDENT DEFICIENCY; PTA DEFICIENCY; ROSENTHAL SYNDROME. Identifiers: Orphanet 329, MedGen C0015523, MeSH D005173, MONDO:0012897, OMIM 612416.
Plasma factor XI deficiency.

Allele frequency attached by ClinVar (database versions not stated): gnomAD exomes below 0.00001; TOPMed 0.00002.
gnomAD v4.1: 12 of 1,614,078 alleles (0.00074%); highest among the groups gnomAD compares: Middle Eastern, 0.016%; no homozygotes.

Submissions (5):

Natera, Inc.
Classification: Likely pathogenic for Plasma factor XI deficiency. Last evaluated: 2025-12-29. Review status: criteria provided, single submitter. Criteria: Natera Variant Classification Schema (03/2026). Collection method: clinical testing. Allele origin: germline.
Comment: The c.449C>T variant in F11 is a missense variant predicted to cause substitution of threonine to methionine at amino acid 150. This variant is rare in the general population with a frequency below the threshold expected for the associated phenotype(s). This variant has been observed in one or more individuals affected with the associated recessive disease, as either homozygous or compound heterozygous with a second variant (PMID: 19652879, 31064749). This variant has been observed in affected individual(s) with monoallelic occurrence (heterozygous/hemizygous) (PMID: 41009375, 39076726). Computational prediction algorithms indicate this variant is likely to affect gene or protein function. Given the available evidence, this variant is classified as Likely Pathogenic.

Genomic Medicine Center of Excellence, King Faisal Specialist Hospital and Research Centre
Classification: Likely pathogenic for Hereditary factor XI deficiency disease. Last evaluated: 2024-04-04. Review status: criteria provided, single submitter. Criteria: ACMG Guidelines, 2015. Collection method: clinical testing. Allele origin: germline.

Laboratory for Molecular Medicine, Mass General Brigham Personalized Medicine
Classification: Likely pathogenic for Hereditary factor XI deficiency disease. Last evaluated: 2022-06-30. Review status: criteria provided, single submitter. Criteria: ACMG Guidelines, 2015. Collection method: clinical testing. Allele origin: germline.
Comment: The p.Thr150Met variant in F11 has been reported in one heterozygous individual and one compound heterozygous individual both with Factor XI defieciency (Mitchell 2006 PMID: 16835901, Saunders 2009 PMID: 19652879), and Factor XI assays for both individuals showed dimished activity. The variant has been in 0.02% (1/4828) South Asian chromosomes by gnomAD; however this frequency is low enough to be consistent with a carrier frequency for pathogenic F11 variants. Computational prediction tools and conservation analysis suggest that the p.Thr150Met variant may impact the protein, though this information is not predictive enough to determine pathogenicity. In summary, although additional studies are required to fully establish its clinical significance, this variant meets criteria to be classified as likely pathogenic for autosomal dominant Factor XI deficiency. ACMG/AMP Criteria applied: PS3, PM3, PP3, PS4_Supporting.

NIHR Bioresource Rare Diseases, University of Cambridge
Classification: Likely pathogenic for Hereditary factor XI deficiency disease. Last evaluated: 2019-02-01. Review status: criteria provided, single submitter. Criteria: ACMG Guidelines, 2015. Collection method: research. Allele origin: unknown. Affected: yes. Observed: 1 homozygote. Study: ThromboGenomics.

Counsyl
Classification: Uncertain significance for Hereditary factor XI deficiency disease. Last evaluated: 2017-12-28. Review status: no assertion criteria provided. Collection method: clinical testing. Allele origin: unknown. Not counted in ClinVar's aggregate classification.

Literature cited by the submitters: PubMed 19652879 (cited by Natera, Inc. and Counsyl); PubMed 31064749 (cited by Natera, Inc. and NIHR Bioresource Rare Diseases, University of Cambridge); PubMed 41009375 (cited by Natera, Inc.); PubMed 39076726 (cited by Natera, Inc.); PubMed 27067486 (cited by Counsyl); PubMed 16835901 (cited by Counsyl).